The following is an entry in ClinVar:

NM_000059.4(BRCA2):c.7082A>T (p.His2361Leu)

Gene: BRCA2 (BRCA2 DNA repair associated; plus strand). Cytogenetic location: 13q13.1.
Variant type: single nucleotide variant.
Coding change: c.7082A>T on transcript NM_000059.4 (MANE Select); coding-DNA position 7082, A replaced by T.
Protein change: p.His2361Leu; replaces histidine 2361 with leucine.
Molecular consequence: missense variant.
Genome position (GRCh38, 1-based): chr13:32,354,935, A>T. VCF-style: chr13-32354935-A-T. GRCh37 (hg19) VCF-style: chr13-32929072-A-T.
Other names: short protein forms H2361L.
Identifiers: ClinVar variation 232138 (VCV000232138.8), dbSNP rs876659579, ClinGen allele CA10579722.

ClinVar aggregate classification (germline): Uncertain significance. Review status: criteria provided, multiple submitters, no conflicts (2 of 4 stars). 2 submissions from 2 submitters: Uncertain significance (2). Last evaluated 2025-07-27.

Conditions:
Hereditary cancer-predisposing syndrome. Also called: Neoplastic Syndromes, Hereditary; Tumor predisposition; Hereditary Cancer Syndrome; Hereditary neoplastic syndrome. Identifiers: Orphanet 140162, MedGen C0027672, MeSH D009386, MONDO:0015356.
Hereditary breast ovarian cancer syndrome. Also called: BRCA1- and BRCA2-Associated Hereditary Breast and Ovarian Cancer; Hereditary breast and ovarian cancer syndrome; Hereditary breast and ovarian cancer; Hereditary breast and ovarian cancer syndrome (HBOC); Breast and ovarian cancer; Hereditary breast and/or ovarian cancer syndrome. Identifiers: Orphanet 145, MedGen C0677776, MeSH D061325, MONDO:0003582. Disease mechanism: loss of function.

Submissions (2):

Labcorp Genetics (formerly Invitae), Labcorp
Classification: Uncertain significance for Hereditary breast ovarian cancer syndrome. Last evaluated: 2025-07-27. Review status: criteria provided, single submitter. Criteria: Invitae Variant Classification Sherloc (09022015). Collection method: clinical testing. Allele origin: germline.
Comment: This sequence change replaces histidine, which is basic and polar, with leucine, which is neutral and non-polar, at codon 2361 of the BRCA2 protein (p.His2361Leu). This variant is not present in population databases (gnomAD no frequency). This variant has not been reported in the literature in individuals affected with BRCA2-related conditions. ClinVar contains an entry for this variant (Variation ID: 232138). Invitae Evidence Modeling of protein sequence and biophysical properties (such as structural, functional, and spatial information, amino acid conservation, physicochemical variation, residue mobility, and thermodynamic stability) indicates that this missense variant is not expected to disrupt BRCA2 protein function with a negative predictive value of 95%. In summary, the available evidence is currently insufficient to determine the role of this variant in disease. Therefore, it has been classified as a Variant of Uncertain Significance.

Ambry Genetics
Classification: Uncertain significance for Hereditary cancer-predisposing syndrome. Last evaluated: 2024-10-14. Review status: criteria provided, single submitter. Criteria: Ambry Variant Classification Scheme 2023. Collection method: clinical testing. Allele origin: germline.
Comment: The p.H2361L variant (also known as c.7082A>T), located in coding exon 13 of the BRCA2 gene, results from an A to T substitution at nucleotide position 7082. The histidine at codon 2361 is replaced by leucine, an amino acid with similar properties. This amino acid position is not well conserved in available vertebrate species. In addition, the in silico prediction for this alteration is inconclusive. Based on the available evidence, the clinical significance of this variant remains unclear.